The following is an entry in ClinVar:

ClinVar aggregate classification (germline): Uncertain significance (1 of 4 stars; one submission).

Conditions:
Familial cancer of breast. Also called: hereditary breast carcinoma; Hereditary breast cancer; BREAST CANCER, FAMILIAL. Identifiers: Orphanet 227535, MedGen C0346153, MONDO:0016419, OMIM 114480. Disease mechanism: loss of function.
Fanconi anemia complementation group J. Also called: BRIP1-Related Fanconi Anemia. Identifiers: Orphanet 84, MedGen C1836860, MONDO:0012187, OMIM 609054.

Allele frequency attached by ClinVar (database versions not stated): gnomAD exomes below 0.00001.
gnomAD v4.1: 2 of 1,614,224 alleles (0.00012%); highest among the groups gnomAD compares: South Asian, 0.0022%; no homozygotes.

Submission:

Labcorp Genetics (formerly Invitae), Labcorp
Classification: Uncertain significance for Familial cancer of breast; Fanconi anemia complementation group J. Last evaluated: 2021-03-13. Review status: criteria provided, single submitter. Criteria: Invitae Variant Classification Sherloc (09022015). Collection method: clinical testing. Allele origin: germline.
Comment: Algorithms developed to predict the effect of missense changes on protein structure and function output the following: SIFT: "Tolerated"; PolyPhen-2: "Benign"; Align-GVGD: "Class C0". The leucine amino acid residue is found in multiple mammalian species, suggesting that this missense change does not adversely affect protein function. These predictions have not been confirmed by published functional studies and their clinical significance is uncertain. In summary, the available evidence is currently insufficient to determine the role of this variant in disease. Therefore, it has been classified as a Variant of Uncertain Significance. This variant has not been reported in the literature in individuals with BRIP1-related conditions. This variant is not present in population databases (ExAC no frequency). This sequence change replaces phenylalanine with leucine at codon 1064 of the BRIP1 protein (p.Phe1064Leu). The phenylalanine residue is weakly conserved and there is a small physicochemical difference between phenylalanine and leucine.

NM_032043.3(BRIP1):c.3192T>G (p.Phe1064Leu)

Gene: BRIP1 (BRCA1 interacting DNA helicase 1; minus strand). Cytogenetic location: 17q23.2.
Variant type: single nucleotide variant.
Coding change: c.3192T>G on transcript NM_032043.3 (MANE Select); coding-DNA position 3192, T replaced by G.
Protein change: p.Phe1064Leu; replaces phenylalanine 1064 with leucine.
Molecular consequence: missense variant.
Genome position (GRCh38, 1-based): chr17:61,683,854, A>C on the plus strand (T>G on the coding strand, the complement: BRIP1 is on the minus strand). VCF-style: chr17-61683854-A-C. GRCh37 (hg19) VCF-style: chr17-59761215-A-C.
Other names: short protein forms F1064L.
Identifiers: ClinVar variation 1516421 (VCV001516421.9), dbSNP rs2144084979, ClinGen allele CA400479369.
Genomic context (GRCh38, chr17:61,683,854, plus strand): 5'-AGTAAGGGTGGCATCAATCTTTAATGATGAAATAATGGTTTCTGATTGAGGGCATGATCC[A>C]AACGATGTGTTTACTGTCAGATTTGAGGATTCACATTTATCAGTGAAGGGCAAAACAGTT-3'
Protein context (NP_114432.2, residues 1054-1074): ESSNLTVNTS[Phe1064Leu]GSCPQSETII